The following is an entry in ClinVar:

NM_138387.4(G6PC3):c.22G>C (p.Gly8Arg)

Gene: G6PC3 (glucose-6-phosphatase catalytic subunit 3; plus strand). Cytogenetic location: 17q21.31.
Variant type: single nucleotide variant.
Coding change: c.22G>C on transcript NM_138387.4 (MANE Select); coding-DNA position 22, G replaced by C.
Protein change: p.Gly8Arg; replaces glycine 8 with arginine.
Molecular consequence: missense variant. On other transcripts: 5 prime UTR variant (3), intron variant (1).
Genome position (GRCh38, 1-based): chr17:44,070,987, G>C. VCF-style: chr17-44070987-G-C. GRCh37 (hg19) VCF-style: chr17-42148355-G-C.
Other names: c.22G>C, p.Gly8Arg (NM_001319945.2); c.-383G>C (NM_001384165.1); c.-518G>C (NM_001384166.1); c.-508G>C (NM_001384167.1); c.-312+273G>C (NM_001384168.1); short protein forms G8R.
Identifiers: ClinVar variation 3852379 (VCV003852379.1).

ClinVar aggregate classification (germline): Uncertain significance (1 of 4 stars; one submission).

Conditions:
Inborn genetic diseases. Identifiers: MedGen C0950123, MeSH D030342.

Submission:

Ambry Genetics
Classification: Uncertain significance for Inborn genetic diseases. Last evaluated: 2025-03-01. Review status: criteria provided, single submitter. Criteria: Ambry Variant Classification Scheme 2023. Collection method: clinical testing. Allele origin: germline.
Comment: The p.G8R variant (also known as c.22G>C), located in coding exon 1 of the G6PC3 gene, results from a G to C substitution at nucleotide position 22. The glycine at codon 8 is replaced by arginine, an amino acid with dissimilar properties. This amino acid position is conserved. In addition, this alteration is predicted to be deleterious by in silico analysis. Based on the available evidence, the clinical significance of this variant remains unclear.